The following is an entry in ClinVar:

ClinVar aggregate classification (germline): Likely benign (1 of 4 stars; one submission).

Conditions:
Familial cancer of breast. Also called: hereditary breast carcinoma; BREAST CANCER, FAMILIAL; Hereditary breast cancer. Identifiers: Orphanet 227535, MedGen C0346153, MONDO:0016419, OMIM 114480. Disease mechanism: loss of function.

Submission:

Department of Clinical Genetics, Copenhagen University Hospital, Rigshospitalet
Classification: Likely benign for Familial cancer of breast. Last evaluated: 2025-06-13. Review status: criteria provided, single submitter. Criteria: ACMG Guidelines, 2015. Collection method: clinical testing. Allele origin: germline.
Comment: The following ACMG criteria has been used: PM2_SUP; BP1_Strong (SpliceAI ≤0.1)

NM_000059.4(BRCA2):c.2716_2730del (p.Thr906_His910del)

Gene: BRCA2 (BRCA2 DNA repair associated; plus strand). Cytogenetic location: 13q13.1.
Variant type: Deletion.
Coding change: c.2716_2730del on transcript NM_000059.4 (MANE Select); coding-DNA positions 2716 to 2730, 15 bases deleted (ACTAAGGAACTTCAT).
Protein change: p.Thr906_His910del.
Molecular consequence: non-coding transcript variant (on NR_176251.1). On other transcripts: intron variant (2).
Genome position (GRCh38, 1-based): chr13:32,337,071-32,337,085, ACTAAGGAACTTCAT deleted; deleting any 15 consecutive bases within chr13:32,337,069-32,337,085 gives the same sequence; the c. name uses the placement nearest the transcript's 3' end. VCF-style (leftmost placement, unchanged base first): chr13-32337068-AATACTAAGGAACTTC-A. GRCh37 (hg19) VCF-style: chr13-32911205-AATACTAAGGAACTTC-A.
Other names: c.2716_2730del, p.Thr906_His910del (NM_001406719.1, NM_001406720.1, NM_001432077.1); c.1909+3684_1909+3698del (NM_001406721.1); c.424+6041_424+6055del (NM_001406722.1).
Identifiers: ClinVar variation 4073700 (VCV004073700.1).